The following is an entry in ClinVar:

NM_000171.4(GLRA1):c.442A>G (p.Ile148Val)

Gene: GLRA1 (glycine receptor alpha 1; minus strand). Cytogenetic location: 5q33.1.
Variant type: single nucleotide variant.
Coding change: c.442A>G on transcript NM_000171.4 (MANE Select); coding-DNA position 442, A replaced by G.
Protein change: p.Ile148Val; replaces isoleucine 148 with valine.
Molecular consequence: missense variant.
Genome position (GRCh38, 1-based): chr5:151,859,819, T>C on the plus strand (A>G on the coding strand, the complement: GLRA1 is on the minus strand). VCF-style: chr5-151859819-T-C. GRCh37 (hg19) VCF-style: chr5-151239380-T-C.
Other names: c.442A>G, p.Ile148Val (NM_001146040.2); c.193A>G, p.Ile65Val (NM_001292000.2); short protein forms I65V, I148V.
Identifiers: ClinVar variation 3713694 (VCV003713694.2).

ClinVar aggregate classification (germline): Uncertain significance (1 of 4 stars; one submission).

Conditions:
Hereditary hyperekplexia. Identifiers: Orphanet 3197, MedGen C4084968, MONDO:0021022.

gnomAD v4.1: 1 of 1,613,934 alleles (0.000062%); highest among the groups gnomAD compares: Non-Finnish European, 0.000085%; no homozygotes.

Submission:

Labcorp Genetics (formerly Invitae), Labcorp
Classification: Uncertain significance for Hereditary hyperekplexia. Last evaluated: 2025-03-18. Review status: criteria provided, single submitter. Criteria: Invitae Variant Classification Sherloc (09022015). Collection method: clinical testing. Allele origin: germline.
Comment: This sequence change replaces isoleucine, which is neutral and non-polar, with valine, which is neutral and non-polar, at codon 148 of the GLRA1 protein (p.Ile148Val). This variant is not present in population databases (gnomAD no frequency). This variant has not been reported in the literature in individuals affected with GLRA1-related conditions. Invitae Evidence Modeling of protein sequence and biophysical properties (such as structural, functional, and spatial information, amino acid conservation, physicochemical variation, residue mobility, and thermodynamic stability) indicates that this missense variant is not expected to disrupt GLRA1 protein function with a negative predictive value of 80%. In summary, the available evidence is currently insufficient to determine the role of this variant in disease. Therefore, it has been classified as a Variant of Uncertain Significance.